The following is an entry in ClinVar:

ClinVar aggregate classification (germline): Conflicting classifications of pathogenicity. Review status: criteria provided, conflicting classifications (1 of 4 stars). 9 submissions from 9 submitters: Uncertain significance (6); Likely benign (1). 2 of the submissions do not count toward it. Last evaluated 2025-04-02.

Conditions:
Hereditary cancer-predisposing syndrome. Also called: Tumor predisposition; Hereditary Cancer Syndrome; Hereditary neoplastic syndrome; Neoplastic Syndromes, Hereditary. Identifiers: Orphanet 140162, MedGen C0027672, MeSH D009386, MONDO:0015356.
Hereditary breast ovarian cancer syndrome. Also called: Breast and ovarian cancer; Hereditary breast and ovarian cancer syndrome; Hereditary breast and ovarian cancer; BRCA1- and BRCA2-Associated Hereditary Breast and Ovarian Cancer; Hereditary breast and ovarian cancer syndrome (HBOC); Hereditary breast and/or ovarian cancer syndrome. Identifiers: Orphanet 145, MedGen C0677776, MeSH D061325, MONDO:0003582. Disease mechanism: loss of function.
Breast-ovarian cancer, familial, susceptibility to, 2 (BROVCA2). Also called: BRCA2 Hereditary Breast and Ovarian Cancer. Identifiers: Orphanet 145, MedGen C2675520, MONDO:0012933, OMIM 612555. Disease mechanism: loss of function.

Allele frequency attached by ClinVar (database versions not stated): TOPMed 0.00001.
gnomAD v4.1: 4 of 1,609,852 alleles (0.00025%); highest among the groups gnomAD compares: Non-Finnish European, 0.00034%; no homozygotes.

Submissions (9):

Ambry Genetics
Classification: Uncertain significance for Hereditary cancer-predisposing syndrome. Last evaluated: 2025-04-02. Review status: criteria provided, single submitter. Criteria: Ambry Variant Classification Scheme 2023. Collection method: clinical testing. Allele origin: germline.
Comment: The p.N2189K variant (also known as c.6567C>A), located in coding exon 10 of the BRCA2 gene, results from a C to A substitution at nucleotide position 6567. The asparagine at codon 2189 is replaced by lysine, an amino acid with similar properties. This amino acid position is not well conserved in available vertebrate species. In addition, this alteration is predicted to be tolerated by in silico analysis. Based on the available evidence, the clinical significance of this variant remains unclear.

Labcorp Genetics (formerly Invitae), Labcorp
Classification: Uncertain significance for Hereditary breast ovarian cancer syndrome. Last evaluated: 2024-11-28. Review status: criteria provided, single submitter. Criteria: Invitae Variant Classification Sherloc (09022015). Collection method: clinical testing. Allele origin: germline.
Comment: This sequence change replaces asparagine, which is neutral and polar, with lysine, which is basic and polar, at codon 2189 of the BRCA2 protein (p.Asn2189Lys). This variant is not present in population databases (gnomAD no frequency). This variant has not been reported in the literature in individuals affected with BRCA2-related conditions. ClinVar contains an entry for this variant (Variation ID: 182227). Invitae Evidence Modeling of protein sequence and biophysical properties (such as structural, functional, and spatial information, amino acid conservation, physicochemical variation, residue mobility, and thermodynamic stability) indicates that this missense variant is not expected to disrupt BRCA2 protein function with a negative predictive value of 95%. In summary, the available evidence is currently insufficient to determine the role of this variant in disease. Therefore, it has been classified as a Variant of Uncertain Significance.

GeneDx
Classification: Uncertain significance. Last evaluated: 2024-04-16. Review status: criteria provided, single submitter. Criteria: GeneDx Variant Classification Process June 2021. Collection method: clinical testing. Allele origin: germline. Affected: yes.
Comment: Not observed at significant frequency in large population cohorts (gnomAD); In silico analysis indicates that this missense variant does not alter protein structure/function; Identified in individuals referred for multi-gene panel testing with personal or family history of cancer (PMID: 31853058); Also known as 6795C>A; This variant is associated with the following publications: (PMID: 29884841, 32377563, 31853058)

University of Washington Department of Laboratory Medicine, University of Washington
Classification: Likely benign for Hereditary cancer-predisposing syndrome. Last evaluated: 2023-03-23. Review status: criteria provided, single submitter. Criteria: Dines et al. (Genet Med. 2020). Collection method: curation. Allele origin: germline.
Comment: Missense variant in a coldspot region where missense variants are very unlikely to be pathogenic (PMID:31911673).

BRCA2 exon 11 coldspot. Reclassification based on statistical prior probability.

Color Diagnostics, LLC DBA Color Health
Classification: Uncertain significance for Hereditary cancer-predisposing syndrome. Last evaluated: 2022-10-11. Review status: criteria provided, single submitter. Criteria: ACMG Guidelines, 2015. Collection method: clinical testing. Allele origin: germline.
Comment: This missense variant replaces asparagine with lysine at codon 2189 of the BRCA2 protein. Computational prediction suggests that this variant may not impact protein structure and function (internally defined REVEL score threshold <= 0.5, PMID: 27666373). To our knowledge, functional studies have not been reported for this variant. This variant has not been reported in individuals affected with hereditary cancer in the literature. This variant has not been identified in the general population by the Genome Aggregation Database (gnomAD). The available evidence is insufficient to determine the role of this variant in disease conclusively. Therefore, this variant is classified as a Variant of Uncertain Significance.

Quest Diagnostics Nichols Institute San Juan Capistrano
Classification: Uncertain significance. Last evaluated: 2019-04-25. Review status: criteria provided, single submitter. Criteria: Quest Diagnostics criteria. Collection method: clinical testing. Allele origin: germline.

Eurofins Ntd Llc (ga)
Classification: Uncertain significance. Last evaluated: 2018-03-06. Review status: criteria provided, single submitter. Criteria: EGL ClinVar v180209 classification definitions. Collection method: clinical testing. Allele origin: germline. Observed: 1 variant allele, 1 heterozygote.

Counsyl
Classification: Uncertain significance for Breast-ovarian cancer, familial, susceptibility to, 2. Last evaluated: 2016-06-14. Review status: no assertion criteria provided. Collection method: clinical testing. Allele origin: unknown. Not counted in ClinVar's aggregate classification.

Sharing Clinical Reports Project (SCRP)
Classification: Uncertain significance for Breast-ovarian cancer, familial 2. Last evaluated: 2010-03-03. Review status: no assertion criteria provided. Collection method: clinical testing. Allele origin: germline. Not counted in ClinVar's aggregate classification.

NM_000059.4(BRCA2):c.6567C>A (p.Asn2189Lys)

Gene: BRCA2 (BRCA2 DNA repair associated; plus strand). Cytogenetic location: 13q13.1.
Variant type: single nucleotide variant.
Coding change: c.6567C>A on transcript NM_000059.4 (MANE Select); coding-DNA position 6567, C replaced by A.
Protein change: p.Asn2189Lys; replaces asparagine 2189 with lysine.
Molecular consequence: missense variant.
Genome position (GRCh38, 1-based): chr13:32,340,922, C>A. VCF-style: chr13-32340922-C-A. GRCh37 (hg19) VCF-style: chr13-32915059-C-A.
Other names: p.N2189K:AAC>AAA; 6795C>A; short protein forms N2189K.
Identifiers: ClinVar variation 182227 (VCV000182227.34), dbSNP rs397507374, ClinGen allele CA024175.